The following is an entry in ClinVar:

NM_032043.3(BRIP1):c.2807A>G (p.Glu936Gly)

Gene: BRIP1 (BRCA1 interacting DNA helicase 1; minus strand). Cytogenetic location: 17q23.2.
Variant type: single nucleotide variant.
Coding change: c.2807A>G on transcript NM_032043.3 (MANE Select); coding-DNA position 2807, A replaced by G.
Protein change: p.Glu936Gly; replaces glutamic acid 936 with glycine.
Molecular consequence: missense variant.
Genome position (GRCh38, 1-based): chr17:61,685,934, T>C on the plus strand (A>G on the coding strand, the complement: BRIP1 is on the minus strand). VCF-style: chr17-61685934-T-C. GRCh37 (hg19) VCF-style: chr17-59763295-T-C.
Other names: short protein forms E936G.
Identifiers: ClinVar variation 645046 (VCV000645046.12), dbSNP rs878855149, ClinGen allele CA400481492.

ClinVar aggregate classification (germline): Uncertain significance. Review status: criteria provided, multiple submitters, no conflicts (2 of 4 stars). 2 submissions from 2 submitters: Uncertain significance (2). Last evaluated 2020-09-15.

Conditions:
Hereditary cancer-predisposing syndrome. Also called: Neoplastic Syndromes, Hereditary; Hereditary Cancer Syndrome; Hereditary neoplastic syndrome; Tumor predisposition. Identifiers: Orphanet 140162, MedGen C0027672, MeSH D009386, MONDO:0015356.
Familial cancer of breast. Also called: hereditary breast carcinoma; BREAST CANCER, FAMILIAL; Hereditary breast cancer. Identifiers: Orphanet 227535, MedGen C0346153, MONDO:0016419, OMIM 114480. Disease mechanism: loss of function.
Fanconi anemia complementation group J. Also called: BRIP1-Related Fanconi Anemia. Identifiers: Orphanet 84, MedGen C1836860, MONDO:0012187, OMIM 609054.

Allele frequency attached by ClinVar (database versions not stated): TOPMed below 0.00001.

Submissions (2):

Labcorp Genetics (formerly Invitae), Labcorp
Classification: Uncertain significance for Familial cancer of breast; Fanconi anemia complementation group J. Last evaluated: 2020-09-15. Review status: criteria provided, single submitter. Criteria: Invitae Variant Classification Sherloc (09022015). Collection method: clinical testing. Allele origin: germline.
Comment: In summary, the available evidence is currently insufficient to determine the role of this variant in disease. Therefore, it has been classified as a Variant of Uncertain Significance. Algorithms developed to predict the effect of missense changes on protein structure and function (SIFT, PolyPhen-2, Align-GVGD) all suggest that this variant is likely to be tolerated, but these predictions have not been confirmed by published functional studies and their clinical significance is uncertain. This variant has not been reported in the literature in individuals with BRIP1-related disease. This variant is not present in population databases (ExAC no frequency). This sequence change replaces glutamic acid with glycine at codon 936 of the BRIP1 protein (p.Glu936Gly). The glutamic acid residue is weakly conserved and there is a moderate physicochemical difference between glutamic acid and glycine.

Ambry Genetics
Classification: Uncertain significance for Hereditary cancer-predisposing syndrome. Last evaluated: 2020-02-10. Review status: criteria provided, single submitter. Criteria: Ambry Variant Classification Scheme 2023. Collection method: clinical testing. Allele origin: germline.
Comment: The p.E936G variant (also known as c.2807A>G), located in coding exon 18 of the BRIP1 gene, results from an A to G substitution at nucleotide position 2807. The glutamic acid at codon 936 is replaced by glycine, an amino acid with similar properties. This amino acid position is not well conserved in available vertebrate species. In addition, this alteration is predicted to be tolerated by in silico analysis. Since supporting evidence is limited at this time, the clinical significance of this alteration remains unclear.